The following is an entry in ClinVar:

ClinVar aggregate classification (germline): Uncertain significance (1 of 4 stars; one submission).

Conditions:
Hereditary cancer-predisposing syndrome. Also called: Neoplastic Syndromes, Hereditary; Tumor predisposition; Hereditary Cancer Syndrome; Hereditary neoplastic syndrome. Identifiers: Orphanet 140162, MedGen C0027672, MeSH D009386, MONDO:0015356.

Allele frequency attached by ClinVar (database versions not stated): gnomAD exomes below 0.00001; ExAC 0.00001; gnomAD 0.00001; 1000 Genomes Project 30x 0.00016; 1000 Genomes Project 0.00020.
gnomAD v4.1: 5 of 1,614,008 alleles (0.00031%); highest among the groups gnomAD compares: South Asian, 0.0055%; no homozygotes.

Submission:

Ambry Genetics
Classification: Uncertain significance for Hereditary cancer-predisposing syndrome. Last evaluated: 2023-12-11. Review status: criteria provided, single submitter. Criteria: Ambry Variant Classification Scheme 2023. Collection method: clinical testing. Allele origin: germline.
Comment: The p.L2317S variant (also known as c.6950T>C), located in coding exon 15 of the APC gene, results from a T to C substitution at nucleotide position 6950. The leucine at codon 2317 is replaced by serine, an amino acid with dissimilar properties. This amino acid position is well conserved in available vertebrate species. In addition, in silico predictors for this gene do not accurately predict pathogenicity. Since supporting evidence is limited at this time, the clinical significance of this alteration remains unclear.

NM_000038.6(APC):c.6950T>C (p.Leu2317Ser)

Gene: APC (APC regulator of Wnt signaling pathway; plus strand). Cytogenetic location: 5q22.2.
Variant type: single nucleotide variant.
Coding change: c.6950T>C on transcript NM_000038.6 (MANE Select); coding-DNA position 6950, T replaced by C.
Protein change: p.Leu2317Ser; replaces leucine 2317 with serine.
Molecular consequence: missense variant.
Genome position (GRCh38, 1-based): chr5:112,842,544, T>C. VCF-style: chr5-112842544-T-C. GRCh37 (hg19) VCF-style: chr5-112178241-T-C.
Other names: c.6950T>C, p.Leu2317Ser (NM_001127510.3, NM_001354895.2); c.6896T>C, p.Leu2299Ser (NM_001127511.3); c.7004T>C, p.Leu2335Ser (NM_001354896.2); c.6980T>C, p.Leu2327Ser (NM_001354897.2); c.6875T>C, p.Leu2292Ser (NM_001354898.2); c.6866T>C, p.Leu2289Ser (NM_001354899.2); c.6827T>C, p.Leu2276Ser (NM_001354900.2); c.6773T>C, p.Leu2258Ser (NM_001354901.2); and 5 more; short protein forms L2299S, L2317S, L2226S, L2292S, L2327S, L2258S, L2157S, L2191S.
Identifiers: ClinVar variation 232817 (VCV000232817.5), dbSNP rs560565848, ClinGen allele CA046501.
Genomic context (GRCh38, chr5:112,842,544, plus strand): 5'-AAGCACCTTCTAGATCAGGATCTAGAGATTCGACCCCTTCAAGACCTGCCCAGCAACCAT[T>C]AAGTAGACCTATACAGTCTCCTGGCCGAAACTCAATTTCCCCTGGTAGAAATGGAATAAG-3'
Protein context (NP_000029.2, residues 2307-2327): STPSRPAQQP[Leu2317Ser]SRPIQSPGRN